The following is an entry in ClinVar:

NM_004055.5(CAPN5):c.166-4G>A

Gene: CAPN5 (calpain 5; plus strand). Cytogenetic location: 11q13.5.
Variant type: single nucleotide variant.
Coding change: c.166-4G>A on transcript NM_004055.5 (MANE Select); 4 bases into the intron before coding-DNA position 166, G replaced by A.
Molecular consequence: intron variant.
Genome position (GRCh38, 1-based): chr11:77,093,678, G>A. VCF-style: chr11-77093678-G-A. GRCh37 (hg19) VCF-style: chr11-76804724-G-A.
Other names: c.166-4G>A (NM_004055.4).
Identifiers: ClinVar variation 1164846 (VCV001164846.12), dbSNP rs572570736, ClinGen allele CA6196187.

ClinVar aggregate classification (germline): Benign/Likely benign. Review status: criteria provided, multiple submitters, no conflicts (2 of 4 stars). 3 submissions from 3 submitters: Benign (1); Likely benign (1). 1 of the submissions does not count toward it. Last evaluated 2025-12-22.

Conditions:
CAPN5-related disorder. Also called: CAPN5-related condition.

Allele frequency attached by ClinVar (database versions not stated): gnomAD 0.00001 and 0.00023; TOPMed 0.00005; gnomAD exomes 0.00073; ExAC 0.00174; 1000 Genomes Project 0.00200; 1000 Genomes Project 30x 0.00219.
gnomAD v4.1: 532 of 1,581,688 alleles (0.034%); highest among the groups gnomAD compares: South Asian, 0.53%; 3 homozygotes.

Submissions (3):

Labcorp Genetics (formerly Invitae), Labcorp
Classification: Benign. Last evaluated: 2025-12-22. Review status: criteria provided, single submitter. Criteria: Invitae Variant Classification Sherloc (09022015). Collection method: clinical testing. Allele origin: germline.

Blueprint Genetics
Classification: Likely benign. Last evaluated: 2024-10-04. Review status: criteria provided, single submitter. Criteria: ACMG Guidelines, 2015. Collection method: clinical testing. Allele origin: germline.

PreventionGenetics, part of Exact Sciences
Classification: Benign for CAPN5-related condition. Last evaluated: 2019-07-22. Review status: no assertion criteria provided. Collection method: clinical testing. Allele origin: germline. Not counted in ClinVar's aggregate classification.
Comment: This variant is classified as benign based on ACMG/AMP sequence variant interpretation guidelines (Richards et al. 2015 PMID: 25741868, with internal and published modifications).